The following is an entry in ClinVar:

NM_003850.3(SUCLA2):c.607A>G (p.Ile203Val)

Gene: SUCLA2 (succinate-CoA ligase ADP-forming subunit beta; minus strand). Cytogenetic location: 13q14.2.
Variant type: single nucleotide variant.
Coding change: c.607A>G on transcript NM_003850.3 (MANE Select); coding-DNA position 607, A replaced by G.
Protein change: p.Ile203Val; replaces isoleucine 203 with valine.
Molecular consequence: missense variant.
Genome position (GRCh38, 1-based): chr13:47,973,320, T>C on the plus strand (A>G on the coding strand, the complement: SUCLA2 is on the minus strand). VCF-style: chr13-47973320-T-C. GRCh37 (hg19) VCF-style: chr13-48547455-T-C.
Other names: short protein forms I203V.
Identifiers: ClinVar variation 1004526 (VCV001004526.6), dbSNP rs1949983658, ClinGen allele CA388149627.

ClinVar aggregate classification (germline): Uncertain significance (1 of 4 stars; one submission).

Conditions:
Mitochondrial DNA depletion syndrome, encephalomyopathic form with methylmalonic aciduria (MTDPS5). Also called: Mitochondrial encephalomyopathy aminoacidopathy; Mitochondrial DNA depletion syndrome 5 (encephalomyopathic with or without methylmalonic aciduria); MITOCHONDRIAL DNA DEPLETION SYNDROME, ENCEPHALOMYOPATHIC FORM, WITH OR WITHOUT METHYLMALONIC ACIDURIA, AUTOSOMAL RECESSIVE, SUCLA2-RELATED; SUCLA2-Related Mitochondrial DNA Depletion Syndrome, Encephalomyopathic Form with Methylmalonic Aciduria. Identifiers: Orphanet 1933, MedGen C5980207, MONDO:0012791, OMIM 612073.

Allele frequency attached by ClinVar (database versions not stated): gnomAD exomes below 0.00001; TOPMed below 0.00001.
gnomAD v4.1: 3 of 1,613,594 alleles (0.00019%); highest among the groups gnomAD compares: African/African-American, 0.0013%; no homozygotes.

Submission:

Labcorp Genetics (formerly Invitae), Labcorp
Classification: Uncertain significance for Mitochondrial DNA depletion syndrome, encephalomyopathic form with methylmalonic aciduria. Last evaluated: 2022-02-05. Review status: criteria provided, single submitter. Criteria: Invitae Variant Classification Sherloc (09022015). Collection method: clinical testing. Allele origin: germline.
Comment: This sequence change replaces isoleucine, which is neutral and non-polar, with valine, which is neutral and non-polar, at codon 203 of the SUCLA2 protein (p.Ile203Val). This variant is not present in population databases (gnomAD no frequency). This variant has not been reported in the literature in individuals affected with SUCLA2-related conditions. ClinVar contains an entry for this variant (Variation ID: 1004526). Algorithms developed to predict the effect of missense changes on protein structure and function (SIFT, PolyPhen-2, Align-GVGD) all suggest that this variant is likely to be disruptive. Algorithms developed to predict the effect of sequence changes on RNA splicing suggest that this variant may create or strengthen a splice site. In summary, the available evidence is currently insufficient to determine the role of this variant in disease. Therefore, it has been classified as a Variant of Uncertain Significance.